The following is an entry in ClinVar:

NM_001378454.1(ALMS1):c.2513C>A (p.Ser838Ter)

Gene: ALMS1 (ALMS1 centrosome and basal body associated protein; plus strand). Cytogenetic location: 2p13.1.
Variant type: single nucleotide variant.
Coding change: c.2513C>A on transcript NM_001378454.1 (MANE Select); coding-DNA position 2513, C replaced by A.
Protein change: p.Ser838Ter; replaces serine 838 with a stop codon.
Molecular consequence: nonsense.
Genome position (GRCh38, 1-based): chr2:73,449,040, C>A. VCF-style: chr2-73449040-C-A. GRCh37 (hg19) VCF-style: chr2-73676167-C-A.
Other names: c.2516C>A, p.Ser839Ter (NM_015120.4); short protein forms S838*, S839*.
Identifiers: ClinVar variation 1390599 (VCV001390599.6), dbSNP rs2103775505, ClinGen allele CA347270371.

ClinVar aggregate classification (germline): Pathogenic (1 of 4 stars; one submission).

Conditions:
Alstrom syndrome (ALMS). Identifiers: Orphanet 64, MedGen C0268425, MONDO:0008763, OMIM 203800.

Submission:

Labcorp Genetics (formerly Invitae), Labcorp
Classification: Pathogenic for Alstrom syndrome. Last evaluated: 2021-07-27. Review status: criteria provided, single submitter. Criteria: Invitae Variant Classification Sherloc (09022015). Collection method: clinical testing. Allele origin: germline.
Comment: For these reasons, this variant has been classified as Pathogenic. This variant has not been reported in the literature in individuals affected with ALMS1-related conditions. This variant is not present in population databases (ExAC no frequency). This sequence change creates a premature translational stop signal (p.Ser839*) in the ALMS1 gene. It is expected to result in an absent or disrupted protein product. Loss-of-function variants in ALMS1 are known to be pathogenic (PMID: 17594715).

Literature cited by the submitters: PubMed 17594715.